The following is an entry in ClinVar:

NM_020877.5(DNAH2):c.4768G>A (p.Asp1590Asn)

Gene: DNAH2 (dynein axonemal heavy chain 2; plus strand). Cytogenetic location: 17p13.1.
Variant type: single nucleotide variant.
Coding change: c.4768G>A on transcript NM_020877.5 (MANE Select); coding-DNA position 4768, G replaced by A.
Protein change: p.Asp1590Asn; replaces aspartic acid 1590 with asparagine.
Molecular consequence: missense variant.
Genome position (GRCh38, 1-based): chr17:7,775,289, G>A. VCF-style: chr17-7775289-G-A. GRCh37 (hg19) VCF-style: chr17-7678607-G-A.
Other names: short protein forms D1590N.
Identifiers: ClinVar variation 5005822 (VCV005005822.2).

ClinVar aggregate classification (germline): Uncertain significance (1 of 4 stars; one submission).

Conditions:
Spermatogenic failure 45. Identifiers: MedGen C5436791, MONDO:0033671, OMIM 619094.

gnomAD v4.1: 26 of 1,613,670 alleles (0.0016%); highest among the groups gnomAD compares: East Asian, 0.016%; no homozygotes.

Submission:

Juno Genomics, Hangzhou Juno Genomics, Inc
Classification: Uncertain significance for Spermatogenic failure 45. Review status: criteria provided, single submitter. Criteria: ACMG Guidelines, 2015. Collection method: clinical testing. Allele origin: germline.
Comment: Absent from controls (or at extremely low frequency if recessive) in Genome Aggregation Database.;Missense variant in a gene that has a low rate of benign missense variation.